The following is an entry in ClinVar:

ClinVar aggregate classification (germline): Uncertain significance (1 of 4 stars; one submission).

gnomAD v4.1: 1 of 1,613,168 alleles (0.000062%); highest among the groups gnomAD compares: Non-Finnish European, 0.000085%; no homozygotes.

Submission:

Labcorp Genetics (formerly Invitae), Labcorp
Classification: Uncertain significance. Last evaluated: 2021-05-27. Review status: criteria provided, single submitter. Criteria: Invitae Variant Classification Sherloc (09022015). Collection method: clinical testing. Allele origin: germline.
Comment: In summary, the available evidence is currently insufficient to determine the role of this variant in disease. Therefore, it has been classified as a Variant of Uncertain Significance. Algorithms developed to predict the effect of missense changes on protein structure and function (SIFT, PolyPhen-2, Align-GVGD) all suggest that this variant is likely to be disruptive, but these predictions have not been confirmed by published functional studies and their clinical significance is uncertain. This variant has been observed in individual(s) with clinical features of RIMS1-related conditions (Invitae). This variant is not present in population databases (ExAC no frequency). This sequence change replaces proline with leucine at codon 941 of the RIMS1 protein (p.Pro941Leu). The proline residue is highly conserved and there is a moderate physicochemical difference between proline and leucine.

NM_014989.7(RIMS1):c.2822C>T (p.Pro941Leu)

Gene: RIMS1 (regulating synaptic membrane exocytosis 1; plus strand). Cytogenetic location: 6q13.
Variant type: single nucleotide variant.
Coding change: c.2822C>T on transcript NM_014989.7 (MANE Select); coding-DNA position 2822, C replaced by T.
Protein change: p.Pro941Leu; replaces proline 941 with leucine.
Molecular consequence: missense variant.
Genome position (GRCh38, 1-based): chr6:72,258,176, C>T. VCF-style: chr6-72258176-C-T. GRCh37 (hg19) VCF-style: chr6-72967879-C-T.
Other names: c.1172C>T, p.Pro391Leu (NM_001350430.2, NM_001350437.2, NM_001350450.2 and 2 more transcripts); c.1244C>T, p.Pro415Leu (NM_001350431.2, NM_001350433.2, NM_001350439.2 and 15 more transcripts); c.1241C>T, p.Pro414Leu (NM_001350432.2, NM_001350434.2, NM_001350435.2 and 19 more transcripts); c.1175C>T, p.Pro392Leu (NM_001350459.2, NM_001350424.2, NM_001350428.2 and 1 more transcripts); c.1199C>T, p.Pro400Leu (NM_001350470.2, NM_001350473.2, NM_001350474.2 and 1 more transcripts); c.1196C>T, p.Pro399Leu (NM_001350472.2); c.1001C>T, p.Pro334Leu (NM_001168409.2, NM_001350464.2, NM_001350465.2 and 3 more transcripts); c.998C>T, p.Pro333Leu (NM_001350461.2, NM_001350463.2, NM_001350468.2); short protein forms P334L, P400L, P941L, P392L, P399L, P415L, P333L, P391L.
Identifiers: ClinVar variation 1494040 (VCV001494040.8), dbSNP rs2154153609, ClinGen allele CA364681549.